The following is an entry in ClinVar:

NM_004530.6(MMP2):c.*400G>A

Gene: MMP2 (matrix metallopeptidase 2; plus strand). Cytogenetic location: 16q12.2.
Variant type: single nucleotide variant.
Coding change: c.*400G>A on transcript NM_004530.6 (MANE Select); 400 bases downstream of the stop codon, G replaced by A.
Molecular consequence: 3 prime UTR variant.
Genome position (GRCh38, 1-based): chr16:55,505,842, G>A. VCF-style: chr16-55505842-G-A. GRCh37 (hg19) VCF-style: chr16-55539754-G-A.
Other names: c.*400G>A (NM_001127891.3, NM_001302508.1, NM_001302509.2 and 1 more transcripts).
Identifiers: ClinVar variation 319777 (VCV000319777.5), dbSNP rs17860021, ClinGen allele CA10638025.

ClinVar aggregate classification (germline): Benign (1 of 4 stars; one submission).

Conditions:
Multicentric osteolysis nodulosis arthropathy spectrum. Identifiers: Orphanet 3460, Orphanet 371428, MedGen C1850155, MONDO:0018298.

Allele frequency attached by ClinVar (database versions not stated): gnomAD 0.00094 and 0.00113; gnomAD exomes 0.00117; TOPMed 0.00143; 1000 Genomes Project 0.00499; 1000 Genomes Project 30x 0.00515.

Submission:

Illumina Laboratory Services, Illumina
Classification: Benign for Multicentric osteolysis, nodulosis, and arthropathy. Last evaluated: 2018-01-13. Review status: criteria provided, single submitter. Criteria: ICSL Variant Classification Criteria 13 December 2019. Collection method: clinical testing. Allele origin: germline.
Comment: This variant was observed in the ICSL laboratory as part of a predisposition screen in an ostensibly healthy population. It had not been previously curated by ICSL or reported in the Human Gene Mutation Database (HGMD: prior to June 1st, 2018), and was therefore a candidate for classification through an automated scoring system. Utilizing variant allele frequency, disease prevalence and penetrance estimates, and inheritance mode, an automated score was calculated to assess if this variant is too frequent to cause the disease. Based on the score and internal cut-off values, a variant classified as benign is not then subjected to further curation. The score for this variant resulted in a classification of benign for this disease.